The following is an entry in ClinVar:

NM_000545.8(HNF1A):c.817A>C (p.Lys273Gln)

Gene: HNF1A (HNF1 homeobox A; plus strand). Cytogenetic location: 12q24.31.
Variant type: single nucleotide variant.
Coding change: c.817A>C on transcript NM_000545.8 (MANE Select); coding-DNA position 817, A replaced by C.
Protein change: p.Lys273Gln; replaces lysine 273 with glutamine.
Molecular consequence: missense variant.
Genome position (GRCh38, 1-based): chr12:120,994,267, A>C. VCF-style: chr12-120994267-A-C. GRCh37 (hg19) VCF-style: chr12-121432070-A-C.
Other names: NM_000545.6(HNF1A):c.817A>C; p.Lys273Gln; c.817A>C, p.Lys273Gln (NM_001306179.2); short protein forms K273Q.
Identifiers: ClinVar variation 447504 (VCV000447504.6), dbSNP rs1555212016, ClinGen allele CA386966376.

ClinVar aggregate classification (germline): Uncertain significance. Review status: reviewed by expert panel (3 of 4 stars). 3 submissions from 3 submitters: Uncertain significance (1). 2 of the submissions do not count toward it. Last evaluated 2025-10-03.

Conditions:
Monogenic diabetes. Identifiers: Orphanet 183625, MedGen C3888631, MONDO:0015967.
Maturity-onset diabetes of the young (MODY). Also called: Maturity onset diabetes mellitus in young. Identifiers: Orphanet 552, MedGen C0342276, MONDO:0018911, HP:0004904.

Submissions (3):

ClinGen Monogenic Diabetes Variant Curation Expert Panel
Classification: Uncertain significance for Monogenic diabetes. Last evaluated: 2025-10-03. Review status: reviewed by expert panel. Criteria: ClinGen Diabetes ACMG Specifications HNF1A V3.0.0. Collection method: curation. Allele origin: germline. Inheritance: Autosomal dominant inheritance.
Comment: The c.817A>C variant in the HNF1 homeobox A gene, HNF1A, causes an amino acid change of lysine to glutamine at codon 273 (p.(Lys273Gln) of NM_000545.8. This variant is predicted to be deleterious by computational evidence, with a REVEL score of 0.817, which is greater than the MDEP VCEP threshold of 0.70 (PP3). Additionally, this variant resides in an amino acid within the HNF1α DNA binding domain that directly binds DNA, which is defined as critical for the protein’s function by the ClinGen MDEP (PM1) and is absent from gnomAD v4.1.0 (PM2_Supporting). In summary, c.817A>C meets the criteria to be classified as a variant of uncertain significance for monogenic diabetes. ACMG/AMP criteria applied, as specified by the ClinGen MDEP (specification version 3.0.0, approved 6/30/2025): PM1, PM2_Supporting, PP3.

Athena Diagnostics
Classification: Uncertain significance. Last evaluated: 2017-06-12. Review status: criteria provided, single submitter. Criteria: Athena Diagnostics Criteria. Collection method: clinical testing. Allele origin: germline. Not counted in ClinVar's aggregate classification.

Clinical Genomics, Uppaluri K&H Personalized Medicine Clinic
Classification: Likely risk allele for Maturity-onset diabetes of the young. Review status: criteria provided, single submitter. Criteria: K & H Uppaluri Personalized Medicine Clinic Variant Classification & Assertion Criteria_Updated V.1. Collection method: research. Allele origin: unknown. Inheritance: Autosomal dominant inheritance. Not counted in ClinVar's aggregate classification.
Comment: Mutations in HNF1A gene can predispose to MODY3. It is associated with both micro and macrovascular complications of diabetes, especially cardiovascular complications. Associated with glucosuria. May respond well to sulfonylureas. However, more evidence is required to confer the association of this particular variant rs1555212016 with MODY3.

Literature cited by the submitters: PubMed 31517624 (cited by Clinical Genomics, Uppaluri K&H Personalized Medicine Clinic); PubMed 32395877 (cited by Clinical Genomics, Uppaluri K&H Personalized Medicine Clinic); PubMed 35328643 (cited by Clinical Genomics, Uppaluri K&H Personalized Medicine Clinic); PubMed 35673428 (cited by Clinical Genomics, Uppaluri K&H Personalized Medicine Clinic).